The following is an entry in ClinVar:

NM_015836.4(WARS2):c.1036G>A (p.Ala346Thr)

Gene: WARS2 (tryptophanyl tRNA synthetase 2, mitochondrial; minus strand). Cytogenetic location: 1p12.
Variant type: single nucleotide variant.
Coding change: c.1036G>A on transcript NM_015836.4 (MANE Select); coding-DNA position 1036, G replaced by A.
Protein change: p.Ala346Thr; replaces alanine 346 with threonine.
Molecular consequence: missense variant. On other transcripts: 3 prime UTR variant (2).
Genome position (GRCh38, 1-based): chr1:119,032,958, C>T on the plus strand (G>A on the coding strand, the complement: WARS2 is on the minus strand). VCF-style: chr1-119032958-C-T. GRCh37 (hg19) VCF-style: chr1-119575581-C-T.
Other names: c.967G>A, p.Ala323Thr (NM_001378226.1, NM_001378227.1); c.865G>A, p.Ala289Thr (NM_001378228.1); c.778G>A, p.Ala260Thr (NM_001378229.1); c.754G>A, p.Ala252Thr (NM_001378230.1); c.*371G>A (NM_001378231.1); c.*402G>A (NM_201263.2); short protein forms A252T, A260T, A289T, A323T, A346T.
Identifiers: ClinVar variation 3368960 (VCV003368960.2).

ClinVar aggregate classification (germline): Uncertain significance. Review status: criteria provided, multiple submitters, no conflicts (2 of 4 stars). 2 submissions from 2 submitters: Uncertain significance (2). Last evaluated 2025-04-10.

Conditions:
Inborn genetic diseases. Identifiers: MedGen C0950123, MeSH D030342.

Submissions (2):

Ambry Genetics
Classification: Uncertain significance for Inborn genetic diseases. Last evaluated: 2025-04-10. Review status: criteria provided, single submitter. Criteria: Ambry Variant Classification Scheme 2023. Collection method: clinical testing. Allele origin: germline.

GeneDx
Classification: Uncertain significance. Last evaluated: 2024-02-08. Review status: criteria provided, single submitter. Criteria: GeneDx Variant Classification Process June 2021. Collection method: clinical testing. Allele origin: germline. Affected: yes.
Comment: Not observed at significant frequency in large population cohorts (gnomAD); In silico analysis supports that this missense variant has a deleterious effect on protein structure/function; Has not been previously published as pathogenic or benign to our knowledge